The following is an entry in ClinVar:

ClinVar aggregate classification (germline): Pathogenic (1 of 4 stars; one submission).

Allele frequency attached by ClinVar (database versions not stated): gnomAD exomes below 0.00001.

Submission:

Labcorp Genetics (formerly Invitae), Labcorp
Classification: Pathogenic. Last evaluated: 2022-01-28. Review status: criteria provided, single submitter. Criteria: Invitae Variant Classification Sherloc (09022015). Collection method: clinical testing. Allele origin: germline.
Comment: For these reasons, this variant has been classified as Pathogenic. This variant has not been reported in the literature in individuals affected with NDUFAF5-related conditions. This variant is not present in population databases (gnomAD no frequency). This sequence change creates a premature translational stop signal (p.Ala17Phefs*6) in the NDUFAF5 gene. It is expected to result in an absent or disrupted protein product. Loss-of-function variants in NDUFAF5 are known to be pathogenic (PMID: 26275793, 30473481, 32918965).

Literature cited by the submitters: PubMed 26275793; PubMed 30473481; PubMed 32918965.

NM_024120.5(NDUFAF5):c.48_135del (p.Ala17fs)

Genes: NDUFAF5 (NADH:ubiquinone oxidoreductase complex assembly factor 5; plus strand), LOC130065433 (ATAC-STARR-seq lymphoblastoid active region 17552; plus strand). Cytogenetic location: 20p12.1.
Variant type: Deletion.
Coding change: c.48_135del on transcript NM_024120.5 (MANE Select); coding-DNA positions 48 to 135, 88 bases deleted.
Protein change: p.Ala17fs; shifts the reading frame from alanine 17.
Molecular consequence: frameshift variant. On other transcripts: non-coding transcript variant (7), 5 prime UTR variant (3).
Genome position (GRCh38, 1-based): chr20:13,785,116-13,785,203, 88 bases deleted. GRCh37 (hg19): chr20:13,765,762-13,765,849.
Other names: c.48_135del, p.Ala17fs (NM_001352408.2, NM_001039375.3); c.-320_-233del (NM_001352403.2); c.-534_-447del (NM_001352406.2); c.-648_-561del (NM_001352407.2); short protein forms A17fs.
Identifiers: ClinVar variation 1907809 (VCV001907809.5), dbSNP rs2516091525, ClinGen allele CA2580097874.